The following is an entry in ClinVar:

ClinVar aggregate classification (germline): Uncertain significance. Review status: criteria provided, multiple submitters, no conflicts (2 of 4 stars). 7 submissions from 4 submitters: Uncertain significance (7). Last evaluated 2025-10-02.

Conditions:
Basal laminar drusen. Also called: DRUSEN OF BRUCH MEMBRANE; DRUSEN, CUTICULAR; DRUSEN, EARLY ADULT-ONSET, GROUPED. Identifiers: Orphanet 75376, MedGen C0730295, MONDO:0007472, OMIM 126700.
Factor H deficiency (CFHD). Also called: CFH DEFICIENCY; COMPLEMENT FACTOR H DEFICIENCY. Identifiers: Orphanet 200421, MedGen C0398777, MONDO:0012350, OMIM 609814.
Age related macular degeneration 4. Identifiers: MedGen C1853147, MONDO:0012540, OMIM 610698.
Hemolytic uremic syndrome, atypical, susceptibility to, 1. Also called: AHUS, SUSCEPTIBILITY TO, 1. Identifiers: Orphanet 2134, Orphanet 90038, MedGen C2749604, MONDO:0009335, OMIM 235400. Disease mechanism: Other.
Atypical hemolytic-uremic syndrome. Identifiers: Orphanet 2134, MedGen C2931788, MONDO:0016244.

Allele frequency attached by ClinVar (database versions not stated): gnomAD exomes below 0.00001; TOPMed below 0.00001; gnomAD 0.00001.
gnomAD v4.1: 6 of 1,613,936 alleles (0.00037%); highest among the groups gnomAD compares: African/African-American, 0.0027%; no homozygotes.

Submissions (7):

Genomenon, Inc
Classification: Uncertain significance for Basal laminar drusen; Age related macular degeneration 4; Atypical hemolytic-uremic syndrome; Factor H deficiency. Last evaluated: 2025-10-02. Review status: criteria provided, single submitter. Criteria: Genomenon Sequence Variant Interpretation Standards - Updated. Collection method: curation. Allele origin: germline. Affected: no.
Comment: CFH p.Arg1044Gly (c.3130A>G) is a missense variant that changes the amino acid at residue 1044 from Arginine to Glycine. This variant has been reported in the published literature (PMID:34508573). It is absent or not present at a significant frequency in gnomAD. In silico models agree that this variant is not damaging. In conclusion, we classify CFH p.Arg1044Gly (c.3130A>G) as a variant of uncertain significance.

Labcorp Genetics (formerly Invitae), Labcorp
Classification: Uncertain significance. Last evaluated: 2023-08-16. Review status: criteria provided, single submitter. Criteria: Invitae Variant Classification Sherloc (09022015). Collection method: clinical testing. Allele origin: germline.
Comment: In summary, the available evidence is currently insufficient to determine the role of this variant in disease. Therefore, it has been classified as a Variant of Uncertain Significance. An algorithm developed to predict the effect of missense changes on protein structure and function (PolyPhen-2) suggests that this variant is likely to be disruptive. ClinVar contains an entry for this variant (Variation ID: 1415337). This missense change has been observed in individual(s) with age-related macular degeneration (PMID: 34508573). This variant is present in population databases (no rsID available, gnomAD 0.007%). This sequence change replaces arginine, which is basic and polar, with glycine, which is neutral and non-polar, at codon 1044 of the CFH protein (p.Arg1044Gly).

Genome-Nilou Lab
Classification: Uncertain significance for Hemolytic uremic syndrome, atypical, susceptibility to, 1. Last evaluated: 2023-04-11. Review status: criteria provided, single submitter. Criteria: ACMG Guidelines, 2015. Collection method: clinical testing. Allele origin: germline. Affected: no.

Genome-Nilou Lab
Classification: Uncertain significance for Age related macular degeneration 4. Last evaluated: 2023-04-11. Review status: criteria provided, single submitter. Criteria: ACMG Guidelines, 2015. Collection method: clinical testing. Allele origin: germline. Affected: no.

Genome-Nilou Lab
Classification: Uncertain significance for Basal laminar drusen. Last evaluated: 2023-04-11. Review status: criteria provided, single submitter. Criteria: ACMG Guidelines, 2015. Collection method: clinical testing. Allele origin: germline. Affected: no.

Genome-Nilou Lab
Classification: Uncertain significance for Factor H deficiency. Last evaluated: 2023-04-11. Review status: criteria provided, single submitter. Criteria: ACMG Guidelines, 2015. Collection method: clinical testing. Allele origin: germline. Affected: no.

Fulgent Genetics
Classification: Uncertain significance for Basal laminar drusen; Hemolytic uremic syndrome, atypical, susceptibility to, 1; Factor H deficiency; Age related macular degeneration 4. Last evaluated: 2021-11-24. Review status: criteria provided, single submitter. Criteria: ACMG Guidelines, 2015. Collection method: clinical testing. Allele origin: unknown.

Literature cited by the submitters: PubMed 34508573 (cited by Genomenon, Inc and Labcorp Genetics (formerly Invitae), Labcorp).

NM_000186.4(CFH):c.3130A>G (p.Arg1044Gly)

Gene: CFH (complement factor H; plus strand). Cytogenetic location: 1q31.3.
Variant type: single nucleotide variant.
Coding change: c.3130A>G on transcript NM_000186.4 (MANE Select); coding-DNA position 3130, A replaced by G.
Protein change: p.Arg1044Gly; replaces arginine 1044 with glycine.
Molecular consequence: missense variant.
Genome position (GRCh38, 1-based): chr1:196,742,048, A>G. VCF-style: chr1-196742048-A-G. GRCh37 (hg19) VCF-style: chr1-196711178-A-G.
Other names: short protein forms R1044G.
Identifiers: ClinVar variation 1415337 (VCV001415337.11), dbSNP rs1366929531, ClinGen allele CA343982287.